The following is an entry in ClinVar:

NM_001458.5(FLNC):c.4927+5G>A

Gene: FLNC (filamin C; plus strand). Cytogenetic location: 7q32.1.
Variant type: single nucleotide variant.
Coding change: c.4927+5G>A on transcript NM_001458.5 (MANE Select); 5 bases into the intron after coding-DNA position 4927, G replaced by A.
Molecular consequence: intron variant.
Genome position (GRCh38, 1-based): chr7:128,848,987, G>A. VCF-style: chr7-128848987-G-A. GRCh37 (hg19) VCF-style: chr7-128489041-G-A.
Other names: c.4927+5G>A (NM_001127487.2).
Identifiers: ClinVar variation 1358051 (VCV001358051.6), dbSNP rs1808689249, ClinGen allele CA2573141623.
Genomic context (GRCh38, chr7:128,848,987, plus strand): 5'-GCCCTTCCGCATCCATGCTCTGCCCACTGGGGATGCCAGCAAGTGCCTCGTCACAGGTGG[G>A]TGCCCACCCGCTGCCCGTGCCCTGCTCACCACCCAGCCCCTCAAAGCCCCTCCAGAACCC-3'

ClinVar aggregate classification (germline): Uncertain significance (1 of 4 stars; one submission).

Conditions:
Distal myopathy with posterior leg and anterior hand involvement. Also called: WILLIAMS DISTAL MYOPATHY. Identifiers: Orphanet 63273, MedGen C3279722, MONDO:0013550, OMIM 614065.
Myofibrillar myopathy 5. Also called: Filaminopathy (type); FILAMINOPATHY, AUTOSOMAL DOMINANT. Identifiers: Orphanet 171445, MedGen C1836050, MONDO:0012289, OMIM 609524.
Hypertrophic cardiomyopathy 26. Also called: Cardiomyopathy, familial hypertrophic, 26. Identifiers: Orphanet 75249, MedGen C4310749, MONDO:0014883, OMIM 617047.

Submission:

Labcorp Genetics (formerly Invitae), Labcorp
Classification: Uncertain significance for Distal myopathy with posterior leg and anterior hand involvement; Myofibrillar myopathy 5; Hypertrophic cardiomyopathy 26. Last evaluated: 2022-12-02. Review status: criteria provided, single submitter. Criteria: Invitae Variant Classification Sherloc (09022015). Collection method: clinical testing. Allele origin: germline.
Comment: ClinVar contains an entry for this variant (Variation ID: 1358051). Variants that disrupt the consensus splice site are a relatively common cause of aberrant splicing (PMID: 17576681, 9536098). Algorithms developed to predict the effect of sequence changes on RNA splicing suggest that this variant may create or strengthen a splice site. In summary, the available evidence is currently insufficient to determine the role of this variant in disease. Therefore, it has been classified as a Variant of Uncertain Significance. This sequence change falls in intron 28 of the FLNC gene. It does not directly change the encoded amino acid sequence of the FLNC protein. It affects a nucleotide within the consensus splice site. This variant is not present in population databases (gnomAD no frequency). This variant has not been reported in the literature in individuals affected with FLNC-related conditions.

Literature cited by the submitters: PubMed 17576681; PubMed 9536098.